The following is an entry in ClinVar:

NM_002853.4(RAD1):c.341G>A (p.Gly114Asp)

Genes: RAD1 (RAD1 checkpoint DNA exonuclease; minus strand), TTC23L (tetratricopeptide repeat domain 23 like; plus strand). Cytogenetic location: 5p13.2.
Variant type: single nucleotide variant.
Coding change: c.341G>A on transcript NM_002853.4 (MANE Select); coding-DNA position 341, G replaced by A.
Protein change: p.Gly114Asp; replaces glycine 114 with aspartic acid.
Molecular consequence: missense variant. On other transcripts: non-coding transcript variant (1).
Genome position (GRCh38, 1-based): chr5:34,911,779, C>T on the plus strand (G>A on the coding strand, the complement: RAD1 is on the minus strand). VCF-style: chr5-34911779-C-T. GRCh37 (hg19) VCF-style: chr5-34911884-C-T.
Other names: short protein forms G114D.
Identifiers: ClinVar variation 3037412 (VCV003037412.2), dbSNP rs2308957, ClinGen allele CA3227825.

ClinVar aggregate classification (germline): Benign (0 of 4 stars; one submission).

Conditions:
RAD1-related disorder. Also called: RAD1-related condition.

Allele frequency attached by ClinVar (database versions not stated): 1000 Genomes Project 0.00200; 1000 Genomes Project 30x 0.00219; ESP Exome Variant Server 0.00484; TOPMed 0.00484; ExAC 0.00562; gnomAD 0.00588; gnomAD exomes 0.00648.
gnomAD v4.1: 10,420 of 1,614,138 alleles (0.65%); highest among the groups gnomAD compares: Non-Finnish European, 0.68%; 45 homozygotes.

Submission:

PreventionGenetics, part of Exact Sciences
Classification: Benign for RAD1-related condition. Last evaluated: 2019-11-04. Review status: no assertion criteria provided. Collection method: clinical testing. Allele origin: germline.
Comment: This variant is classified as benign based on ACMG/AMP sequence variant interpretation guidelines (Richards et al. 2015 PMID: 25741868, with internal and published modifications).